The following is an entry in ClinVar:

ClinVar aggregate classification (germline): Benign/Likely benign. Review status: criteria provided, multiple submitters, no conflicts (2 of 4 stars). 2 submissions from 2 submitters: Benign (1); Likely benign (1). Last evaluated 2026-06-16.

Conditions:
TLR7-related disorder. Also called: TLR7-related condition.

Allele frequency attached by ClinVar (database versions not stated): ExAC 0.00013; 1000 Genomes Project 0.00053; 1000 Genomes Project 30x 0.00062.
gnomAD v4.1: 65 of 1,210,064 alleles (0.0054%); highest among the groups gnomAD compares: South Asian, 0.1%; 1 homozygote.

Submissions (2):

PreventionGenetics, part of Exact Sciences
Classification: Likely benign for TLR7-related condition. Last evaluated: 2026-06-16. Review status: criteria provided, single submitter. Criteria: ACMG Guidelines, 2015. Collection method: clinical testing. Allele origin: germline.
Comment: This variant is classified as likely benign based on ACMG/AMP sequence variant interpretation guidelines (Richards et al. 2015 PMID: 25741868, with internal and published modifications).

Labcorp Genetics (formerly Invitae), Labcorp
Classification: Benign. Last evaluated: 2024-05-09. Review status: criteria provided, single submitter. Criteria: Invitae Variant Classification Sherloc (09022015). Collection method: clinical testing. Allele origin: germline.

NM_016562.4(TLR7):c.864G>A (p.Ala288=)

Gene: TLR7 (toll like receptor 7; plus strand). Cytogenetic location: Xp22.2.
Variant type: single nucleotide variant.
Coding change: c.864G>A on transcript NM_016562.4 (MANE Select); coding-DNA position 864, G replaced by A.
Protein change: p.Ala288=; no amino-acid change (alanine 288 retained).
Molecular consequence: synonymous variant.
Genome position (GRCh38, 1-based): chrX:12,886,372, G>A. VCF-style: chrX-12886372-G-A. GRCh37 (hg19) VCF-style: chrX-12904491-G-A.
Other names: c.864G>A (NM_016562.3).
Identifiers: ClinVar variation 2185430 (VCV002185430.5), dbSNP rs368187775, ClinGen allele CA10349973.